The following is an entry in ClinVar:

NM_012330.4(KAT6B):c.4690G>A (p.Glu1564Lys)

Gene: KAT6B (lysine acetyltransferase 6B; plus strand). Cytogenetic location: 10q22.2.
Variant type: single nucleotide variant.
Coding change: c.4690G>A on transcript NM_012330.4 (MANE Select); coding-DNA position 4690, G replaced by A.
Protein change: p.Glu1564Lys; replaces glutamic acid 1564 with lysine.
Molecular consequence: missense variant.
Genome position (GRCh38, 1-based): chr10:75,029,514, G>A. VCF-style: chr10-75029514-G-A. GRCh37 (hg19) VCF-style: chr10-76789272-G-A.
Other names: c.4141G>A, p.Glu1381Lys (NM_001256468.2, NM_001370138.1); c.3814G>A, p.Glu1272Lys (NM_001256469.2, NM_001370139.1, NM_001370140.1 and 2 more transcripts); c.3652G>A, p.Glu1218Lys (NM_001370132.1); c.3001G>A, p.Glu1001Lys (NM_001370133.1); c.2605G>A, p.Glu869Lys (NM_001370134.1); c.2347G>A, p.Glu783Lys (NM_001370135.1); c.4690G>A, p.Glu1564Lys (NM_001370136.1, NM_001370137.1); c.3625G>A, p.Glu1209Lys (NM_001370143.1, NM_001370144.1); short protein forms E1564K, E1001K, E1209K, E1218K, E1381K, E1272K, E783K, E869K.
Identifiers: ClinVar variation 1952527 (VCV001952527.5), dbSNP rs1176532397, ClinGen allele CA377298427.

ClinVar aggregate classification (germline): Uncertain significance (1 of 4 stars; one submission).

Conditions:
Genitopatellar syndrome (GTPTS). Also called: ABSENT PATELLAE, SCROTAL HYPOPLASIA, RENAL ANOMALIES, FACIAL DYSMORPHISM, AND MENTAL RETARDATION; Genitopatellar syndrome (GPS). Identifiers: Orphanet 85201, MedGen C1853566, MONDO:0011640, OMIM 606170.

Allele frequency attached by ClinVar (database versions not stated): gnomAD exomes below 0.00001; gnomAD 0.00001.
gnomAD v4.1: 2 of 1,613,974 alleles (0.00012%); highest among the groups gnomAD compares: Admixed American, 0.0033%; no homozygotes.

Submission:

Labcorp Genetics (formerly Invitae), Labcorp
Classification: Uncertain significance for Genitopatellar syndrome. Last evaluated: 2023-08-10. Review status: criteria provided, single submitter. Criteria: Invitae Variant Classification Sherloc (09022015). Collection method: clinical testing. Allele origin: germline.
Comment: This sequence change replaces glutamic acid, which is acidic and polar, with lysine, which is basic and polar, at codon 1564 of the KAT6B protein (p.Glu1564Lys). This variant is present in population databases (no rsID available, gnomAD 0.1%). This variant has not been reported in the literature in individuals affected with KAT6B-related conditions. ClinVar contains an entry for this variant (Variation ID: 1952527). Advanced modeling of protein sequence and biophysical properties (such as structural, functional, and spatial information, amino acid conservation, physicochemical variation, residue mobility, and thermodynamic stability) performed at Invitae indicates that this missense variant is not expected to disrupt KAT6B protein function. In summary, the available evidence is currently insufficient to determine the role of this variant in disease. Therefore, it has been classified as a Variant of Uncertain Significance.